The following is an entry in ClinVar:

NM_177438.3(DICER1):c.2504_2505dup (p.Phe836fs)

Gene: DICER1 (dicer 1, ribonuclease III; minus strand). Cytogenetic location: 14q32.13.
Variant type: Duplication.
Coding change: c.2504_2505dup on transcript NM_177438.3 (MANE Select); coding-DNA positions 2504 to 2505, 2 bases duplicated (GT; older notation c.2504_2505dupGT).
Protein change: p.Phe836fs; shifts the reading frame from phenylalanine 836.
Molecular consequence: frameshift variant.
Genome position (GRCh38, 1-based): chr14:95,108,025-95,108,026, AC duplicated on the plus strand (GT on the coding strand, the reverse complement: DICER1 is on the minus strand). VCF-style (leftmost placement, unchanged base first): chr14-95108024-A-AAC. GRCh37 (hg19) VCF-style: chr14-95574361-A-AAC.
Other names: c.2504_2505dup, p.Phe836fs (NM_001195573.1, NM_001271282.3, NM_001291628.2 and 1 more transcripts); c.2504_2505dupGT (NM_177438.2); short protein forms F836fs.
Identifiers: ClinVar variation 1327570 (VCV001327570.9), dbSNP rs2140025659, ClinGen allele CA2573053958.

ClinVar aggregate classification (germline): Pathogenic. Review status: criteria provided, multiple submitters, no conflicts (2 of 4 stars). 3 submissions from 3 submitters: Pathogenic (3). Last evaluated 2023-04-17.

Conditions:
DICER1-related tumor predisposition. Also called: DICER1-related pleuropulmonary blastoma cancer predisposition syndrome; DICER1 syndrome. Identifiers: Orphanet 284343, MedGen C3839822, MONDO:0100216.
Hereditary cancer-predisposing syndrome. Also called: Hereditary Cancer Syndrome; Hereditary neoplastic syndrome; Neoplastic Syndromes, Hereditary; Tumor predisposition. Identifiers: Orphanet 140162, MedGen C0027672, MeSH D009386, MONDO:0015356.

Submissions (3):

Labcorp Genetics (formerly Invitae), Labcorp
Classification: Pathogenic for DICER1-related tumor predisposition. Last evaluated: 2023-04-17. Review status: criteria provided, single submitter. Criteria: Invitae Variant Classification Sherloc (09022015). Collection method: clinical testing. Allele origin: germline.
Comment: ClinVar contains an entry for this variant (Variation ID: 1327570). This sequence change creates a premature translational stop signal (p.Phe836Valfs*11) in the DICER1 gene. It is expected to result in an absent or disrupted protein product. Loss-of-function variants in DICER1 are known to be pathogenic (PMID: 19556464, 21266384). This variant is not present in population databases (gnomAD no frequency). This variant has not been reported in the literature in individuals affected with DICER1-related conditions. For these reasons, this variant has been classified as Pathogenic.

Ambry Genetics
Classification: Pathogenic for Hereditary cancer-predisposing syndrome. Last evaluated: 2022-03-25. Review status: criteria provided, single submitter. Criteria: Ambry Variant Classification Scheme 2023. Collection method: clinical testing. Allele origin: germline.
Comment: The c.2504_2505dupGT pathogenic mutation, located in coding exon 15 of the DICER1 gene, results from a duplication of GT at nucleotide position 2504, causing a translational frameshift with a predicted alternate stop codon (p.F836Vfs*11). This variant is considered to be rare based on population cohorts in the Genome Aggregation Database (gnomAD). This alteration is expected to result in loss of function by premature protein truncation or nonsense-mediated mRNA decay. As such, this alteration is interpreted as a disease-causing mutation.

St. Jude Molecular Pathology, St. Jude Children's Research Hospital
Classification: Pathogenic for DICER1-related tumor predisposition. Last evaluated: 2021-11-11. Review status: criteria provided, single submitter. Criteria: St. Jude Assertion Criteria 2020. Collection method: clinical testing. Allele origin: germline. Affected: yes.
Comment: The DICER1 c.2504_2505dup (p.Phe836ValfsTer11) change inserts 2 nucleotides in exon 16 of the DICER1 gene to cause a frameshift and the creation of a premature stop codon. This change is predicted to cause protein truncation or absence of the protein due to nonsense-mediated decay (PVS1). This variant is absent in gnomAD v2.1.1 (PM2_supporting). In summary, this variant meets criteria to be classified as pathogenic based on the ACMG/AMP criteria: PVS1, PM2_supporting, PP4.

Literature cited by the submitters: PubMed 19556464 (cited by Labcorp Genetics (formerly Invitae), Labcorp); PubMed 21266384 (cited by Labcorp Genetics (formerly Invitae), Labcorp).